The following is an entry in ClinVar:

NM_031407.7(HUWE1):c.4942A>T (p.Ser1648Cys)

Gene: HUWE1 (HECT, UBA and WWE domain containing E3 ubiquitin protein ligase 1; minus strand). Cytogenetic location: Xp11.22.
Variant type: single nucleotide variant.
Coding change: c.4942A>T on transcript NM_031407.7 (MANE Select); coding-DNA position 4942, A replaced by T.
Protein change: p.Ser1648Cys; replaces serine 1648 with cysteine.
Molecular consequence: missense variant.
Genome position (GRCh38, 1-based): chrX:53,585,071, T>A on the plus strand (A>T on the coding strand, the complement: HUWE1 is on the minus strand). VCF-style: chrX-53585071-T-A. GRCh37 (hg19) VCF-style: chrX-53612031-T-A.
Other names: c.4942A>T (NM_031407.4); short protein forms S1648C.
Identifiers: ClinVar variation 375715 (VCV000375715.5), dbSNP rs201226547, ClinGen allele CA329198273.

ClinVar aggregate classification (germline): Conflicting classifications of pathogenicity. Review status: criteria provided, conflicting classifications (1 of 4 stars). 2 submissions from 2 submitters: Uncertain significance (1); Benign (1). Last evaluated 2025-11-10.

Conditions:
Intellectual developmental disorder, X-linked, syndromic, Turner type. Also called: Intellectual disability, X-linked syndromic, Turner type; X-linked intellectual disability, Turner type. Identifiers: Orphanet 3056, Orphanet 85328, MedGen C2678046, MONDO:0010407, OMIM 309590.

Allele frequency attached by ClinVar (database versions not stated): gnomAD exomes 0.00001; TOPMed 0.00002.
gnomAD v4.1: 4 of 1,211,999 alleles (0.00033%); highest among the groups gnomAD compares: Non-Finnish European, 0.00045%; no homozygotes.

Submissions (2):

GeneDx
Classification: Uncertain significance. Last evaluated: 2025-11-10. Review status: criteria provided, single submitter. Criteria: GeneDx Variant Classification Process June 2021. Collection method: clinical testing. Allele origin: germline. Affected: yes.
Comment: Not observed at significant frequency in large population cohorts (gnomAD); In silico analysis supports that this missense variant has a deleterious effect on protein structure/function; Has not been previously published as pathogenic or benign to our knowledge; This variant is associated with the following publications: (PMID: 27535533)

Center for Medical Genetics and Molecular Medicine, Haukeland University Hospital
Classification: Benign for Intellectual developmental disorder, X-linked, syndromic, Turner type. Last evaluated: 2017-04-27. Review status: criteria provided, single submitter. Criteria: ACMG Guidelines, 2015. Collection method: clinical testing. Allele origin: maternal. Inheritance: X-linked inheritance. Affected: no. Observed: 1 variant allele.
Comment: ACMG evidence: PM(1), PP(1), BS(2)